The following is an entry in ClinVar:

NM_004364.5(CEBPA):c.151C>T (p.Pro51Ser)

Gene: CEBPA (CCAAT enhancer binding protein alpha; minus strand). Cytogenetic location: 19q13.11.
Variant type: single nucleotide variant.
Coding change: c.151C>T on transcript NM_004364.5 (MANE Select); coding-DNA position 151, C replaced by T.
Protein change: p.Pro51Ser; replaces proline 51 with serine.
Molecular consequence: missense variant. On other transcripts: 5 prime UTR variant (1).
Genome position (GRCh38, 1-based): chr19:33,302,264, G>A on the plus strand (C>T on the coding strand, the complement: CEBPA is on the minus strand). VCF-style: chr19-33302264-G-A. GRCh37 (hg19) VCF-style: chr19-33793170-G-A.
Other names: c.-207C>T (NM_001285829.2); c.256C>T, p.Pro86Ser (NM_001287424.2); c.109C>T, p.Pro37Ser (NM_001287435.2); c.151C>T (NM_004364.3); short protein forms P37S, P86S, P51S.
Identifiers: ClinVar variation 844913 (VCV000844913.13), dbSNP rs1278513408, ClinGen allele CA405275571.

ClinVar aggregate classification (germline): Uncertain significance. Review status: criteria provided, multiple submitters, no conflicts (2 of 4 stars). 3 submissions from 3 submitters: Uncertain significance (3). Last evaluated 2025-09-25.

Conditions:
Acute myeloid leukemia (AML). Also called: Acute myeloid leukemia, adult; AML adult; Acute non-lymphocytic leukemia; Acute granulocytic leukemia; Leukemia, acute myeloid, somatic; Leukemia, acute myelogenous, somatic. Identifiers: Orphanet 519, MedGen C0023467, MeSH D015470, MONDO:0018874, OMIM 601626, HP:0004808. Disease mechanism: Constitutively activated FLT3.
Inborn genetic diseases. Identifiers: MedGen C0950123, MeSH D030342.

Submissions (3):

Ambry Genetics
Classification: Uncertain significance for Inborn genetic diseases. Last evaluated: 2025-09-25. Review status: criteria provided, single submitter. Criteria: Ambry Variant Classification Scheme 2023. Collection method: clinical testing. Allele origin: germline.
Comment: The p.P51S variant (also known as c.151C>T), located in coding exon 1 of the CEBPA gene, results from a C to T substitution at nucleotide position 151. The proline at codon 51 is replaced by serine, an amino acid with similar properties. This amino acid position is conserved. In addition, this alteration is predicted to be tolerated by in silico analysis. Based on the available evidence, the clinical significance of this variant remains unclear.

Labcorp Genetics (formerly Invitae), Labcorp
Classification: Uncertain significance for Acute myeloid leukemia. Last evaluated: 2024-04-15. Review status: criteria provided, single submitter. Criteria: Invitae Variant Classification Sherloc (09022015). Collection method: clinical testing. Allele origin: germline.
Comment: This sequence change replaces proline, which is neutral and non-polar, with serine, which is neutral and polar, at codon 51 of the CEBPA protein (p.Pro51Ser). This variant is not present in population databases (gnomAD no frequency). This variant has not been reported in the literature in individuals affected with CEBPA-related conditions. ClinVar contains an entry for this variant (Variation ID: 844913). Advanced modeling of protein sequence and biophysical properties (such as structural, functional, and spatial information, amino acid conservation, physicochemical variation, residue mobility, and thermodynamic stability) performed at Invitae indicates that this missense variant is not expected to disrupt CEBPA protein function with a negative predictive value of 80%. In summary, the available evidence is currently insufficient to determine the role of this variant in disease. Therefore, it has been classified as a Variant of Uncertain Significance.

Blueprint Genetics
Classification: Uncertain significance. Last evaluated: 2021-09-12. Review status: criteria provided, single submitter. Criteria: ACMG Guidelines, 2015. Collection method: clinical testing. Allele origin: germline.